The following is an entry in ClinVar:

ClinVar aggregate classification (germline): Uncertain significance. Review status: criteria provided, single submitter (1 of 4 stars). 2 submissions from 2 submitters: Uncertain significance (1). 1 of the submissions does not count toward it. Last evaluated 2025-02-11.

Conditions:
ABCA7-related disorder. Also called: ABCA7-related condition.

Allele frequency attached by ClinVar (database versions not stated): ESP Exome Variant Server 0.00108; 1000 Genomes Project 30x 0.00125; 1000 Genomes Project 0.00140.
gnomAD v4.1: 357 of 1,612,188 alleles (0.022%); highest among the groups gnomAD compares: African/African-American, 0.37%; 1 homozygote.

Submissions (2):

Women's Health and Genetics/Laboratory Corporation of America, LabCorp
Classification: Uncertain significance. Last evaluated: 2025-02-11. Review status: criteria provided, single submitter. Criteria: LabCorp Variant Classification Summary - May 2015. Collection method: clinical testing. Allele origin: germline.
Comment: Variant summary: ABCA7 c.2611G>C (p.Asp871His) results in a non-conservative amino acid change located in the ATP-binding cassette, ABC transporter-type domain profile (IPR003439) of the encoded protein sequence. Five of five in-silico tools predict a damaging effect of the variant on protein function. The variant allele was found at a frequency of 0.00028 in 249204 control chromosomes. This frequency is not significantly higher than estimated for a pathogenic variant in ABCA7 causing Alzheimer Disease, Type 9, allowing no conclusion about variant significance. To our knowledge, no occurrence of c.2611G>C in individuals affected with Alzheimer Disease, Type 9 and no experimental evidence demonstrating its impact on protein function have been reported. ClinVar contains an entry for this variant (Variation ID: 3048450). Based on the evidence outlined above, the variant was classified as uncertain significance.

PreventionGenetics, part of Exact Sciences
Classification: Likely benign for ABCA7-related condition. Last evaluated: 2020-01-20. Review status: no assertion criteria provided. Collection method: clinical testing. Allele origin: germline. Not counted in ClinVar's aggregate classification.
Comment: This variant is classified as likely benign based on ACMG/AMP sequence variant interpretation guidelines (Richards et al. 2015 PMID: 25741868, with internal and published modifications).

NM_019112.4(ABCA7):c.2611G>C (p.Asp871His)

Gene: ABCA7 (ATP binding cassette subfamily A member 7; plus strand). Cytogenetic location: 19p13.3.
Variant type: single nucleotide variant.
Coding change: c.2611G>C on transcript NM_019112.4 (MANE Select); coding-DNA position 2611, G replaced by C.
Protein change: p.Asp871His; replaces aspartic acid 871 with histidine.
Molecular consequence: missense variant.
Genome position (GRCh38, 1-based): chr19:1,050,979, G>C. VCF-style: chr19-1050979-G-C. GRCh37 (hg19) VCF-style: chr19-1050978-G-C.
Other names: short protein forms D871H.
Identifiers: ClinVar variation 3048450 (VCV003048450.3), dbSNP rs139251928, ClinGen allele CA9033668.